The following is an entry in ClinVar:

ClinVar aggregate classification (germline): Uncertain significance. Review status: criteria provided, single submitter (1 of 4 stars). 2 submissions from 2 submitters: Uncertain significance (1). 1 of the submissions does not count toward it. Last evaluated 2022-07-30.

Conditions:
Genitopatellar syndrome (GTPTS). Also called: Genitopatellar syndrome (GPS); ABSENT PATELLAE, SCROTAL HYPOPLASIA, RENAL ANOMALIES, FACIAL DYSMORPHISM, AND MENTAL RETARDATION. Identifiers: Orphanet 85201, MedGen C1853566, MONDO:0011640, OMIM 606170.
KAT6B-related disorder. Also called: KAT6B-related disorders; KAT6B-related condition.

Allele frequency attached by ClinVar (database versions not stated): gnomAD exomes below 0.00001.
gnomAD v4.1: 2 of 1,614,188 alleles (0.00012%); highest among the groups gnomAD compares: Non-Finnish European, 0.00017%; no homozygotes.

Submissions (2):

Labcorp Genetics (formerly Invitae), Labcorp
Classification: Uncertain significance for Genitopatellar syndrome. Last evaluated: 2022-07-30. Review status: criteria provided, single submitter. Criteria: Invitae Variant Classification Sherloc (09022015). Collection method: clinical testing. Allele origin: germline.
Comment: In summary, the available evidence is currently insufficient to determine the role of this variant in disease. Therefore, it has been classified as a Variant of Uncertain Significance. Algorithms developed to predict the effect of missense changes on protein structure and function are either unavailable or do not agree on the potential impact of this missense change (SIFT: "Deleterious"; PolyPhen-2: "Probably Damaging"; Align-GVGD: "Class C0"). This variant has not been reported in the literature in individuals affected with KAT6B-related conditions. This variant is not present in population databases (gnomAD no frequency). This sequence change replaces cysteine, which is neutral and slightly polar, with arginine, which is basic and polar, at codon 805 of the KAT6B protein (p.Cys805Arg).

PreventionGenetics, part of Exact Sciences
Classification: Uncertain significance for KAT6B-related condition. Last evaluated: 2024-09-26. Review status: no assertion criteria provided. Collection method: clinical testing. Allele origin: germline. Not counted in ClinVar's aggregate classification.
Comment: The KAT6B c.2413T>C variant is predicted to result in the amino acid substitution p.Cys805Arg. To our knowledge, this variant has not been reported in the literature or in a large population database, indicating this variant is rare. At this time, the clinical significance of this variant is uncertain due to the absence of conclusive functional and genetic evidence.

NM_012330.4(KAT6B):c.2413T>C (p.Cys805Arg)

Gene: KAT6B (lysine acetyltransferase 6B; plus strand). Cytogenetic location: 10q22.2.
Variant type: single nucleotide variant.
Coding change: c.2413T>C on transcript NM_012330.4 (MANE Select); coding-DNA position 2413, T replaced by C.
Protein change: p.Cys805Arg; replaces cysteine 805 with arginine.
Molecular consequence: missense variant. On other transcripts: intron variant (4).
Genome position (GRCh38, 1-based): chr10:74,985,119, T>C. VCF-style: chr10-74985119-T-C. GRCh37 (hg19) VCF-style: chr10-76744877-T-C.
Other names: c.1864T>C, p.Cys622Arg (NM_001256468.2, NM_001370138.1); c.1537T>C, p.Cys513Arg (NM_001256469.2, NM_001370139.1, NM_001370140.1 and 2 more transcripts); c.2413T>C, p.Cys805Arg (NM_001370136.1, NM_001370137.1); c.1348T>C, p.Cys450Arg (NM_001370143.1, NM_001370144.1); c.847-3900T>C (NM_001370133.1); c.450+3191T>C (NM_001370134.1); c.1497+3191T>C (NM_001370132.1); c.193-3900T>C (NM_001370135.1); and 1 more; short protein forms C450R, C513R, C622R, C805R.
Identifiers: ClinVar variation 2416473 (VCV002416473.6), dbSNP rs2549007647, ClinGen allele CA377293531.